The following is an entry in ClinVar:

NM_001142800.2(EYS):c.-201C>T

Gene: EYS (EGF-like photoreceptor maintenance factor; minus strand). Cytogenetic location: 6q12.
Variant type: single nucleotide variant.
Coding change: c.-201C>T on transcript NM_001142800.2 (MANE Select); 201 bases upstream of the start codon, C replaced by T.
Molecular consequence: 5 prime UTR variant.
Genome position (GRCh38, 1-based): chr6:65,495,862, G>A on the plus strand (C>T on the coding strand, the complement: EYS is on the minus strand). VCF-style: chr6-65495862-G-A. GRCh37 (hg19) VCF-style: chr6-66205755-G-A.
Other names: c.-201C>T (NM_001142801.2, NM_001292009.2, NM_198283.2).
Identifiers: ClinVar variation 991153 (VCV000991153.6), dbSNP rs555933041, ClinGen allele CA140435030.

ClinVar aggregate classification (germline): Uncertain significance. Review status: criteria provided, single submitter (1 of 4 stars). 2 submissions from 2 submitters: Uncertain significance (1). 1 of the submissions does not count toward it. Last evaluated 2024-10-29.

Conditions:
Autosomal recessive retinitis pigmentosa. Identifiers: MedGen C0339526.

Allele frequency attached by ClinVar (database versions not stated): gnomAD 0.00001 and 0.00003; TOPMed 0.00002; gnomAD exomes 0.00005; 1000 Genomes Project 0.00040; 1000 Genomes Project 30x 0.00047.
gnomAD v4.1: 6 of 171,592 alleles (0.0035%); highest among the groups gnomAD compares: South Asian, 0.013%; no homozygotes.

Submissions (2):

Labcorp Genetics (formerly Invitae), Labcorp
Classification: Uncertain significance. Last evaluated: 2024-10-29. Review status: criteria provided, single submitter. Criteria: Invitae Variant Classification Sherloc (09022015). Collection method: clinical testing. Allele origin: germline.
Comment: This variant occurs in a non-coding region of the EYS gene. It does not change the encoded amino acid sequence of the EYS protein. This variant is not present in population databases (gnomAD no frequency). This variant has not been reported in the literature in individuals affected with EYS-related conditions. ClinVar contains an entry for this variant (Variation ID: 991153). Experimental studies and prediction algorithms are not available or were not evaluated, and the functional significance of this variant is currently unknown. In summary, the available evidence is currently insufficient to determine the role of this variant in disease. Therefore, it has been classified as a Variant of Uncertain Significance.

Natera, Inc.
Classification: Uncertain significance for Autosomal recessive retinitis pigmentosa. Last evaluated: 2020-08-06. Review status: no assertion criteria provided. Collection method: clinical testing. Allele origin: germline. Not counted in ClinVar's aggregate classification.